The following is an entry in ClinVar:

ClinVar aggregate classification (germline): Uncertain significance (1 of 4 stars; one submission).

Conditions:
Hypertrophic cardiomyopathy. Also called: HYPERTROPHIC MYOCARDIOPATHY. Identifiers: Orphanet 217569, MedGen C0007194, MeSH D002312, MONDO:0005045, HP:0001639.

Allele frequency attached by ClinVar (database versions not stated): gnomAD exomes 0.00001; ExAC 0.00003.

Submission:

Labcorp Genetics (formerly Invitae), Labcorp
Classification: Uncertain significance for Hypertrophic cardiomyopathy. Last evaluated: 2019-11-12. Review status: criteria provided, single submitter. Criteria: Invitae Variant Classification Sherloc (09022015). Collection method: clinical testing. Allele origin: germline.
Comment: In summary, the available evidence is currently insufficient to determine the role of this variant in disease. Therefore, it has been classified as a Variant of Uncertain Significance. Algorithms developed to predict the effect of missense changes on protein structure and function output the following: SIFT: "Tolerated"; PolyPhen-2: "Benign"; Align-GVGD: "Class C0". The lysine amino acid residue is found in multiple mammalian species, suggesting that this missense change does not adversely affect protein function. These predictions have not been confirmed by published functional studies and their clinical significance is uncertain. This variant has not been reported in the literature in individuals with JPH2-related conditions. This variant is present in population databases (rs759806993, ExAC 0.006%). This sequence change replaces arginine with lysine at codon 634 of the JPH2 protein (p.Arg634Lys). The arginine residue is weakly conserved and there is a small physicochemical difference between arginine and lysine.

NM_020433.5(JPH2):c.1901G>A (p.Arg634Lys)

Gene: JPH2 (junctophilin 2; minus strand). Cytogenetic location: 20q13.12.
Variant type: single nucleotide variant.
Coding change: c.1901G>A on transcript NM_020433.5 (MANE Select); coding-DNA position 1901, G replaced by A.
Protein change: p.Arg634Lys; replaces arginine 634 with lysine.
Molecular consequence: missense variant.
Genome position (GRCh38, 1-based): chr20:44,115,774, C>T on the plus strand (G>A on the coding strand, the complement: JPH2 is on the minus strand). VCF-style: chr20-44115774-C-T. GRCh37 (hg19) VCF-style: chr20-42744414-C-T.
Other names: short protein forms R634K.
Identifiers: ClinVar variation 959412 (VCV000959412.9), dbSNP rs759806993, ClinGen allele CA9868570.